The following is an entry in ClinVar:

ClinVar aggregate classification (germline): Uncertain significance (1 of 4 stars; one submission).

Conditions:
Xeroderma pigmentosum, group F (XPF). Also called: ERCC4-Related Xeroderma Pigmentosum; XERODERMA PIGMENTOSUM, COMPLEMENTATION GROUP F; XERODERMA PIGMENTOSUM VI; XP, GROUP F; XERODERMA PIGMENTOSUM, TYPE F; Xeroderma pigmentosum, type 6. Identifiers: MedGen C0268140, MONDO:0010215, OMIM 278760.
Fanconi anemia complementation group Q. Identifiers: Orphanet 84, MedGen C3808988, MONDO:0014108, OMIM 615272.
Cockayne syndrome. Identifiers: Orphanet 191, MedGen C0009207, MONDO:0016006.

Allele frequency attached by ClinVar (database versions not stated): gnomAD exomes below 0.00001.
gnomAD v4.1: 1 of 1,613,814 alleles (0.000062%); highest among the groups gnomAD compares: Non-Finnish European, 0.000085%; no homozygotes.

Submission:

Labcorp Genetics (formerly Invitae), Labcorp
Classification: Uncertain significance for Fanconi anemia complementation group Q; Xeroderma pigmentosum, group F; Cockayne syndrome. Last evaluated: 2023-12-14. Review status: criteria provided, single submitter. Criteria: Invitae Variant Classification Sherloc (09022015). Collection method: clinical testing. Allele origin: germline.
Comment: This sequence change replaces tyrosine, which is neutral and polar, with cysteine, which is neutral and slightly polar, at codon 98 of the ERCC4 protein (p.Tyr98Cys). This variant is not present in population databases (gnomAD no frequency). This variant has not been reported in the literature in individuals affected with ERCC4-related conditions. Advanced modeling of protein sequence and biophysical properties (such as structural, functional, and spatial information, amino acid conservation, physicochemical variation, residue mobility, and thermodynamic stability) performed at Invitae indicates that this missense variant is not expected to disrupt ERCC4 protein function with a negative predictive value of 80%. In summary, the available evidence is currently insufficient to determine the role of this variant in disease. Therefore, it has been classified as a Variant of Uncertain Significance.

NM_005236.3(ERCC4):c.293A>G (p.Tyr98Cys)

Gene: ERCC4 (ERCC excision repair 4, endonuclease catalytic subunit; plus strand). Cytogenetic location: 16p13.12.
Variant type: single nucleotide variant.
Coding change: c.293A>G on transcript NM_005236.3 (MANE Select); coding-DNA position 293, A replaced by G.
Protein change: p.Tyr98Cys; replaces tyrosine 98 with cysteine.
Molecular consequence: missense variant.
Genome position (GRCh38, 1-based): chr16:13,922,116, A>G. VCF-style: chr16-13922116-A-G. GRCh37 (hg19) VCF-style: chr16-14015973-A-G.
Other names: short protein forms Y98C.
Identifiers: ClinVar variation 2931641 (VCV002931641.3), dbSNP rs2543164230, ClinGen allele CA394818011.